The following is an entry in ClinVar:

NM_001007553.3(CSDE1):c.1383T>C (p.Tyr461=)

Gene: CSDE1 (cold shock domain containing E1; minus strand). Cytogenetic location: 1p13.2.
Variant type: single nucleotide variant.
Coding change: c.1383T>C on transcript NM_001007553.3 (MANE Select); coding-DNA position 1383, T replaced by C.
Protein change: p.Tyr461=; no amino-acid change (tyrosine 461 retained).
Molecular consequence: synonymous variant.
Genome position (GRCh38, 1-based): chr1:114,727,064, A>G on the plus strand (T>C on the coding strand, the complement: CSDE1 is on the minus strand). VCF-style: chr1-114727064-A-G. GRCh37 (hg19) VCF-style: chr1-115269685-A-G.
Other names: c.1428T>C, p.Tyr476= (NM_001130523.3); c.1521T>C, p.Tyr507= (NM_001242891.2); c.1383T>C, p.Tyr461= (NM_001242892.2); c.1290T>C, p.Tyr430= (NM_001242893.2, NM_007158.6).
Identifiers: ClinVar variation 3058601 (VCV003058601.2), dbSNP rs150190370, ClinGen allele CA1021074.

ClinVar aggregate classification (germline): Likely benign (0 of 4 stars; one submission).

Conditions:
CSDE1-related disorder. Also called: CSDE1-related condition.

Allele frequency attached by ClinVar (database versions not stated): TOPMed 0.00006; ExAC 0.00015; gnomAD 0.00017; gnomAD exomes 0.00051; 1000 Genomes Project 30x 0.00109; 1000 Genomes Project 0.00140.
gnomAD v4.1: 753 of 1,613,514 alleles (0.047%); highest among the groups gnomAD compares: East Asian, 1.7%; 12 homozygotes.

Submission:

PreventionGenetics, part of Exact Sciences
Classification: Likely benign for CSDE1-related condition. Last evaluated: 2019-03-20. Review status: no assertion criteria provided. Collection method: clinical testing. Allele origin: germline.
Comment: This variant is classified as likely benign based on ACMG/AMP sequence variant interpretation guidelines (Richards et al. 2015 PMID: 25741868, with internal and published modifications).